The following is an entry in ClinVar:

ClinVar aggregate classification (germline): Pathogenic (1 of 4 stars; one submission).

Conditions:
Fanconi anemia (FA). Also called: Fanconi's anemia. Identifiers: Orphanet 84, MedGen C0015625, MeSH D005199, MONDO:0019391.

Submission:

Labcorp Genetics (formerly Invitae), Labcorp
Classification: Pathogenic for Fanconi anemia. Last evaluated: 2023-11-24. Review status: criteria provided, single submitter. Criteria: Invitae Variant Classification Sherloc (09022015). Collection method: clinical testing. Allele origin: unknown.
Comment: This variant is a gross deletion of the genomic region encompassing exon(s) 8 of the FANCA gene. This deletion is out-of-frame, and is expected to create a premature termination codon and result in an absent or disrupted protein product. Loss-of-function variants in FANCA are known to be pathogenic (PMID: 19367192). This variant has not been reported in the literature in individuals affected with FANCA-related conditions. For these reasons, this variant has been classified as Pathogenic.

Literature cited by the submitters: PubMed 19367192.

NC_000016.9:g.(?_89869647)_(89869769_?)del

Gene: FANCA (FA complementation group A; minus strand). Cytogenetic location: 16q24.3.
Variant type: Deletion.
Identifiers: ClinVar variation 3243228 (VCV003243228.1).